The following is an entry in ClinVar:

NM_001005242.3(PKP2):c.356A>T (p.Tyr119Phe)

Gene: PKP2 (plakophilin 2; minus strand). Cytogenetic location: 12p11.21.
Variant type: single nucleotide variant.
Coding change: c.356A>T on transcript NM_001005242.3 (MANE Select); coding-DNA position 356, A replaced by T.
Protein change: p.Tyr119Phe; replaces tyrosine 119 with phenylalanine.
Molecular consequence: missense variant.
Genome position (GRCh38, 1-based): chr12:32,878,524, T>A on the plus strand (A>T on the coding strand, the complement: PKP2 is on the minus strand). VCF-style: chr12-32878524-T-A. GRCh37 (hg19) VCF-style: chr12-33031458-T-A.
Other names: c.356A>T, p.Tyr119Phe (NM_001407155.1, NM_001407156.1, NM_001407157.1 and 2 more transcripts); c.29A>T, p.Tyr10Phe (NM_001407158.1, NM_001407159.1, NM_001407160.1 and 1 more transcripts); short protein forms Y10F, Y119F.
Identifiers: ClinVar variation 3361572 (VCV003361572.3).
Genomic context (GRCh38, chr12:32,878,524, plus strand): 5'-CTTTCTTCCACGGACTTCTGGGAGCTGTACTGTGCTGTTCCTCTTCCCCAGCGACCTTCA[T>A]AAGTGGCAGTTGTGCCAGCCTGCACATGAGAGAAATAAAGTTTAAAGGGGGCATAAATCA-3'
Protein context (NP_001005242.2, residues 109-129): DMLKAGTTAT[Tyr119Phe]EGRWGRGTAQ

ClinVar aggregate classification (germline): Uncertain significance. Review status: criteria provided, multiple submitters, no conflicts (2 of 4 stars). 2 submissions from 2 submitters: Uncertain significance (2). Last evaluated 2024-07-26.

Conditions:
Arrhythmogenic right ventricular dysplasia 9 (ARVD9). Also called: Arrhythmogenic Right Ventricular Dysplasia/Cardiomyopathy 9; ARRHYTHMOGENIC RIGHT VENTRICULAR DYSPLASIA, FAMILIAL, 9. Identifiers: MedGen C1836906, MONDO:0012180, OMIM 609040.

Submissions (2):

Labcorp Genetics (formerly Invitae), Labcorp
Classification: Uncertain significance for Arrhythmogenic right ventricular dysplasia 9. Last evaluated: 2024-07-26. Review status: criteria provided, single submitter. Criteria: Invitae Variant Classification Sherloc (09022015). Collection method: clinical testing. Allele origin: germline.
Comment: This sequence change replaces tyrosine, which is neutral and polar, with phenylalanine, which is neutral and non-polar, at codon 119 of the PKP2 protein (p.Tyr119Phe). This variant is not present in population databases (gnomAD no frequency). This variant has not been reported in the literature in individuals affected with PKP2-related conditions. An algorithm developed to predict the effect of missense changes on protein structure and function outputs the following: PolyPhen-2: "Benign". The phenylalanine amino acid residue is found in multiple mammalian species, which suggests that this missense change does not adversely affect protein function. In summary, the available evidence is currently insufficient to determine the role of this variant in disease. Therefore, it has been classified as a Variant of Uncertain Significance.

GeneDx
Classification: Uncertain significance. Last evaluated: 2023-07-24. Review status: criteria provided, single submitter. Criteria: GeneDx Variant Classification Process June 2021. Collection method: clinical testing. Allele origin: germline. Affected: yes.
Comment: Not observed at significant frequency in large population cohorts (gnomAD); In silico analysis supports that this missense variant does not alter protein structure/function; Has not been previously published as pathogenic or benign to our knowledge